The following is an entry in ClinVar:

NM_004629.2(FANCG):c.1694A>G (p.Asp565Gly)

Gene: FANCG (FA complementation group G; minus strand). Cytogenetic location: 9p13.3.
Variant type: single nucleotide variant.
Coding change: c.1694A>G on transcript NM_004629.2 (MANE Select); coding-DNA position 1694, A replaced by G.
Protein change: p.Asp565Gly; replaces aspartic acid 565 with glycine.
Molecular consequence: missense variant.
Genome position (GRCh38, 1-based): chr9:35,074,437, T>C on the plus strand (A>G on the coding strand, the complement: FANCG is on the minus strand). VCF-style: chr9-35074437-T-C. GRCh37 (hg19) VCF-style: chr9-35074434-T-C.
Other names: short protein forms D565G.
Identifiers: ClinVar variation 4844155 (VCV004844155.1).

ClinVar aggregate classification (germline): Uncertain significance (1 of 4 stars; one submission).

Conditions:
Inborn genetic diseases. Identifiers: MedGen C0950123, MeSH D030342.

Submission:

Ambry Genetics
Classification: Uncertain significance for Inborn genetic diseases. Last evaluated: 2026-02-22. Review status: criteria provided, single submitter. Criteria: Ambry Variant Classification Scheme 2023. Collection method: clinical testing. Allele origin: germline.
Comment: The p.D565G variant (also known as c.1694A>G), located in coding exon 13 of the FANCG gene, results from an A to G substitution at nucleotide position 1694. The aspartic acid at codon 565 is replaced by glycine, an amino acid with similar properties. This amino acid position is conserved. In addition, this alteration is predicted to be tolerated by in silico analysis. Based on the available evidence, the clinical significance of this variant remains unclear.